The following is an entry in ClinVar:

NM_173630.4(RTTN):c.4190A>C (p.Glu1397Ala)

Gene: RTTN (rotatin; minus strand). Cytogenetic location: 18q22.2.
Variant type: single nucleotide variant.
Coding change: c.4190A>C on transcript NM_173630.4 (MANE Select); coding-DNA position 4190, A replaced by C.
Protein change: p.Glu1397Ala; replaces glutamic acid 1397 with alanine.
Molecular consequence: missense variant.
Genome position (GRCh38, 1-based): chr18:70,088,101, T>G on the plus strand (A>C on the coding strand, the complement: RTTN is on the minus strand). VCF-style: chr18-70088101-T-G. GRCh37 (hg19) VCF-style: chr18-67755337-T-G.
Other names: c.1454A>C, p.Glu485Ala (NM_001318520.2); c.4190A>C (NM_173630.3); short protein forms E1397A, E485A.
Identifiers: ClinVar variation 2172920 (VCV002172920.3), dbSNP rs72959893, ClinGen allele CA8995358.

ClinVar aggregate classification (germline): Uncertain significance. Review status: criteria provided, multiple submitters, no conflicts (2 of 4 stars). 2 submissions from 2 submitters: Uncertain significance (2). Last evaluated 2025-04-12.

Conditions:
Inborn genetic diseases. Identifiers: MedGen C0950123, MeSH D030342.

Allele frequency attached by ClinVar (database versions not stated): ESP Exome Variant Server 0.00008; 1000 Genomes Project 0.00020; 1000 Genomes Project 30x 0.00031; gnomAD exomes 0.00006; ExAC 0.00004; TOPMed 0.00008; gnomAD 0.00005.
gnomAD v4.1: 96 of 1,613,964 alleles (0.0059%); highest among the groups gnomAD compares: Non-Finnish European, 0.008%; no homozygotes.

Submissions (2):

Ambry Genetics
Classification: Uncertain significance for Inborn genetic diseases. Last evaluated: 2025-04-12. Review status: criteria provided, single submitter. Criteria: Ambry Variant Classification Scheme 2023. Collection method: clinical testing. Allele origin: germline.

Labcorp Genetics (formerly Invitae), Labcorp
Classification: Uncertain significance. Last evaluated: 2022-10-17. Review status: criteria provided, single submitter. Criteria: Invitae Variant Classification Sherloc (09022015). Collection method: clinical testing. Allele origin: germline.
Comment: This sequence change replaces glutamic acid, which is acidic and polar, with alanine, which is neutral and non-polar, at codon 1397 of the RTTN protein (p.Glu1397Ala). This variant is present in population databases (rs72959893, gnomAD 0.006%). This variant has not been reported in the literature in individuals affected with RTTN-related conditions. Advanced modeling of protein sequence and biophysical properties (such as structural, functional, and spatial information, amino acid conservation, physicochemical variation, residue mobility, and thermodynamic stability) performed at Invitae indicates that this missense variant is not expected to disrupt RTTN protein function. In summary, the available evidence is currently insufficient to determine the role of this variant in disease. Therefore, it has been classified as a Variant of Uncertain Significance.